The following is an entry in ClinVar:

ClinVar aggregate classification (germline): Likely pathogenic (1 of 4 stars; one submission).

Conditions:
Fanconi anemia complementation group J. Also called: BRIP1-Related Fanconi Anemia. Identifiers: Orphanet 84, MedGen C1836860, MONDO:0012187, OMIM 609054.
Familial cancer of breast. Also called: Hereditary breast cancer; hereditary breast carcinoma; BREAST CANCER, FAMILIAL. Identifiers: Orphanet 227535, MedGen C0346153, MONDO:0016419, OMIM 114480. Disease mechanism: loss of function.

Submission:

Labcorp Genetics (formerly Invitae), Labcorp
Classification: Likely pathogenic for Familial cancer of breast; Fanconi anemia complementation group J. Last evaluated: 2025-08-10. Review status: criteria provided, single submitter. Criteria: Invitae Variant Classification Sherloc (09022015). Collection method: clinical testing. Allele origin: germline.
Comment: This variant results in the deletion of part of exon 15 (c.2098-428_2122del) of the BRIP1 gene. It is expected to disrupt RNA splicing. Variants that disrupt the donor or acceptor splice site typically lead to a loss of protein function (PMID: 16199547), and loss-of-function variants in BRIP1 are known to be pathogenic (PMID: 16116423, 17033622, 21964575). This variant is not present in population databases (gnomAD no frequency). This variant has not been reported in the literature in individuals affected with BRIP1-related conditions. In summary, the currently available evidence indicates that the variant is pathogenic, but additional data are needed to prove that conclusively. Therefore, this variant has been classified as Likely Pathogenic.

Literature cited by the submitters: PubMed 16199547; PubMed 16116423; PubMed 17033622; PubMed 21964575.

NM_032043.3(BRIP1):c.2098-428_2122del

Gene: BRIP1 (BRCA1 interacting DNA helicase 1; minus strand). Cytogenetic location: 17q23.2.
Variant type: Deletion.
Coding change: c.2098-428_2122del on transcript NM_032043.3 (MANE Select); 428 bases into the intron before coding-DNA position 2098 through coding-DNA position 2122, 453 bases deleted.
Molecular consequence: splice acceptor variant.
Genome position (GRCh38, 1-based): chr17:61,744,567-61,745,019, 453 bases deleted. GRCh37 (hg19): chr17:59,821,931-59,822,383.
Identifiers: ClinVar variation 4784882 (VCV004784882.1).